The following is an entry in ClinVar:

ClinVar aggregate classification (germline): Uncertain significance (1 of 4 stars; one submission).

Allele frequency attached by ClinVar (database versions not stated): gnomAD exomes below 0.00001.
gnomAD v4.1: 3 of 1,614,062 alleles (0.00019%); highest among the groups gnomAD compares: Admixed American, 0.0033%; no homozygotes.

Submission:

Labcorp Genetics (formerly Invitae), Labcorp
Classification: Uncertain significance. Last evaluated: 2022-07-26. Review status: criteria provided, single submitter. Criteria: Invitae Variant Classification Sherloc (09022015). Collection method: clinical testing. Allele origin: germline.
Comment: This sequence change replaces threonine, which is neutral and polar, with isoleucine, which is neutral and non-polar, at codon 1429 of the CCDC88C protein (p.Thr1429Ile). This variant is present in population databases (no rsID available, gnomAD 0.006%). This variant has not been reported in the literature in individuals affected with CCDC88C-related conditions. Algorithms developed to predict the effect of missense changes on protein structure and function are either unavailable or do not agree on the potential impact of this missense change (SIFT: "Deleterious"; PolyPhen-2: "Benign"; Align-GVGD: "Class C0"). In summary, the available evidence is currently insufficient to determine the role of this variant in disease. Therefore, it has been classified as a Variant of Uncertain Significance.

NM_001080414.4(CCDC88C):c.4286C>T (p.Thr1429Ile)

Gene: CCDC88C (coiled-coil domain containing 88C; minus strand). Cytogenetic location: 14q32.11.
Variant type: single nucleotide variant.
Coding change: c.4286C>T on transcript NM_001080414.4 (MANE Select); coding-DNA position 4286, C replaced by T.
Protein change: p.Thr1429Ile; replaces threonine 1429 with isoleucine.
Molecular consequence: missense variant.
Genome position (GRCh38, 1-based): chr14:91,289,260, G>A on the plus strand (C>T on the coding strand, the complement: CCDC88C is on the minus strand). VCF-style: chr14-91289260-G-A. GRCh37 (hg19) VCF-style: chr14-91755604-G-A.
Other names: short protein forms T1429I.
Identifiers: ClinVar variation 1905961 (VCV001905961.2), dbSNP rs1290108716, ClinGen allele CA390614747.